The following is an entry in ClinVar:

NM_003476.5(CSRP3):c.326A>G (p.Lys109Arg)

Gene: CSRP3 (cysteine and glycine rich protein 3; minus strand). Cytogenetic location: 11p15.1.
Variant type: single nucleotide variant.
Coding change: c.326A>G on transcript NM_003476.5 (MANE Select); coding-DNA position 326, A replaced by G.
Protein change: p.Lys109Arg; replaces lysine 109 with arginine.
Molecular consequence: missense variant.
Genome position (GRCh38, 1-based): chr11:19,186,304, T>C on the plus strand (A>G on the coding strand, the complement: CSRP3 is on the minus strand). VCF-style: chr11-19186304-T-C. GRCh37 (hg19) VCF-style: chr11-19207851-T-C.
Other names: c.157A>G, p.Asn53Asp (NM_001369404.1); short protein forms K109R, N53D.
Identifiers: ClinVar variation 3755473 (VCV003755473.2).
Genomic context (GRCh38, chr11:19,186,304, plus strand): 5'-GCATAGACTGACTTGCCACATCGAGGGCACTTCTCGGACTCTCCAAACTTCGCAGTGAAT[T>C]TGGAAGGGTTGCTGGTGGTAACTGAGCGTGCCGGCTTTGGGGACCTGTTGGAAATAGACG-3'
Protein context (NP_003467.1, residues 99-119): ARSVTTSNPS[Lys109Arg]FTAKFGESEK

ClinVar aggregate classification (germline): Uncertain significance (1 of 4 stars; one submission).

Conditions:
Dilated cardiomyopathy 1M (CMD1M). Identifiers: Orphanet 154, MedGen C1843808, MONDO:0011840, OMIM 607482.
Hypertrophic cardiomyopathy 12. Identifiers: MedGen C2677491, MONDO:0012804, OMIM 612124.

Submission:

Labcorp Genetics (formerly Invitae), Labcorp
Classification: Uncertain significance for Hypertrophic cardiomyopathy 12; Dilated cardiomyopathy 1M. Last evaluated: 2024-03-22. Review status: criteria provided, single submitter. Criteria: Invitae Variant Classification Sherloc (09022015). Collection method: clinical testing. Allele origin: germline.
Comment: This sequence change replaces lysine, which is basic and polar, with arginine, which is basic and polar, at codon 109 of the CSRP3 protein (p.Lys109Arg). This variant is not present in population databases (gnomAD no frequency). This variant has not been reported in the literature in individuals affected with CSRP3-related conditions. An algorithm developed to predict the effect of missense changes on protein structure and function (PolyPhen-2) suggests that this variant is likely to be tolerated. In summary, the available evidence is currently insufficient to determine the role of this variant in disease. Therefore, it has been classified as a Variant of Uncertain Significance.